The following is an entry in ClinVar:

ClinVar aggregate classification (germline): Likely benign (1 of 4 stars; one submission).

gnomAD v4.1: 4 of 1,531,442 alleles (0.00026%); highest among the groups gnomAD compares: African/African-American, 0.0055%; no homozygotes.

Submission:

CeGaT Center for Human Genetics Tuebingen
Classification: Likely benign. Last evaluated: 2025-12-01. Review status: criteria provided, single submitter. Criteria: CeGaT Center For Human Genetics Tuebingen Variant Classification Criteria Version 2. Collection method: clinical testing. Allele origin: germline. Affected: yes. Observed: 1 variant allele.
Comment: NBEA: BP4

NM_001385012.1(NBEA):c.5903+7A>G

Gene: NBEA (neurobeachin; plus strand). Cytogenetic location: 13q13.3.
Variant type: single nucleotide variant.
Coding change: c.5903+7A>G on transcript NM_001385012.1 (MANE Select); 7 bases into the intron after coding-DNA position 5903, A replaced by G.
Molecular consequence: intron variant.
Genome position (GRCh38, 1-based): chr13:35,309,599, A>G. VCF-style: chr13-35309599-A-G. GRCh37 (hg19) VCF-style: chr13-35883736-A-G.
Other names: c.5903+7A>G (NM_015678.5); c.5894+7A>G (NM_001379245.1).
Identifiers: ClinVar variation 4681832 (VCV004681832.5).
Genomic context (GRCh38, chr13:35,309,599, plus strand): 5'-CTCTATTCAGAAGAATGCAGGACTTGCATTTATTGAGCTCATCAATGAAGGAAGGTAATT[A>G]ATTTTACAATTTTAGACAACTAGTCAGTGTACATTTTATTCCACTGGGCAATTGCTCTTT-3'